The following is an entry in ClinVar:

NM_000059.4(BRCA2):c.6842-6T>G

Gene: BRCA2 (BRCA2 DNA repair associated; plus strand). Cytogenetic location: 13q13.1.
Variant type: single nucleotide variant.
Coding change: c.6842-6T>G on transcript NM_000059.4 (MANE Select); 6 bases into the intron before coding-DNA position 6842, T replaced by G.
Molecular consequence: intron variant.
Genome position (GRCh38, 1-based): chr13:32,344,552, T>G. VCF-style: chr13-32344552-T-G. GRCh37 (hg19) VCF-style: chr13-32918689-T-G.
Identifiers: ClinVar variation 948168 (VCV000948168.10), dbSNP rs2072597147, ClinGen allele CA1139663144.
Genomic context (GRCh38, chr13:32,344,552, plus strand): 5'-TAGACTTTTGAGAAATAAAACTGATATTATTTGCCTTAAAAACATATATGAAATATTTCT[T>G]TTTAGGAGAACCCTCAATCAAAAGAAACTTATTAAATGAATTTGACAGGATAATAGAAAA-3'

ClinVar aggregate classification (germline): Uncertain significance (1 of 4 stars; one submission).

Conditions:
Hereditary breast ovarian cancer syndrome. Also called: Hereditary breast and/or ovarian cancer syndrome; Hereditary breast and ovarian cancer syndrome; Hereditary breast and ovarian cancer syndrome (HBOC); Breast and ovarian cancer; BRCA1- and BRCA2-Associated Hereditary Breast and Ovarian Cancer; Hereditary breast and ovarian cancer. Identifiers: Orphanet 145, MedGen C0677776, MeSH D061325, MONDO:0003582. Disease mechanism: loss of function.

Submission:

Labcorp Genetics (formerly Invitae), Labcorp
Classification: Uncertain significance for Hereditary breast ovarian cancer syndrome. Last evaluated: 2019-07-03. Review status: criteria provided, single submitter. Criteria: Invitae Variant Classification Sherloc (09022015). Collection method: clinical testing. Allele origin: germline.
Comment: This sequence change falls in intron 11 of the BRCA2 gene. It does not directly change the encoded amino acid sequence of the BRCA2 protein. This variant is not present in population databases (ExAC no frequency). This variant has not been reported in the literature in individuals with BRCA2-related conditions. Algorithms developed to predict the effect of sequence changes on RNA splicing suggest that this variant may disrupt the consensus splice site, but this prediction has not been confirmed by published transcriptional studies. In summary, the available evidence is currently insufficient to determine the role of this variant in disease. Therefore, it has been classified as a Variant of Uncertain Significance.